The following is an entry in ClinVar:

NM_001040151.2(SCN3B):c.161T>G (p.Val54Gly)

Gene: SCN3B (sodium voltage-gated channel beta subunit 3; minus strand). Cytogenetic location: 11q24.1.
Variant type: single nucleotide variant.
Coding change: c.161T>G on transcript NM_001040151.2 (MANE Select); coding-DNA position 161, T replaced by G.
Protein change: p.Val54Gly; replaces valine 54 with glycine.
Molecular consequence: missense variant.
Genome position (GRCh38, 1-based): chr11:123,645,645, A>C on the plus strand (T>G on the coding strand, the complement: SCN3B is on the minus strand). VCF-style: chr11-123645645-A-C. GRCh37 (hg19) VCF-style: chr11-123516353-A-C.
Other names: c.161T>G, p.Val54Gly (NM_018400.4); short protein forms V54G.
Identifiers: ClinVar variation 140596 (VCV000140596.16), dbSNP rs587777555, ClinGen allele CA232804.

ClinVar aggregate classification (germline): Uncertain significance. Review status: criteria provided, multiple submitters, no conflicts (2 of 4 stars). 5 submissions from 5 submitters: Uncertain significance (4). 1 of the submissions does not count toward it. Last evaluated 2025-03-18.

Conditions:
Cardiovascular phenotype. Identifiers: MedGen CN230736.
Brugada syndrome 7 (BRGDA7). Identifiers: Orphanet 130, MedGen C2751088, MONDO:0013146, OMIM 613120.

Allele frequency attached by ClinVar (database versions not stated): gnomAD 0.00003 and 0.00004; gnomAD exomes 0.00009 and 0.00003; ExAC 0.00002; TOPMed 0.00003.
gnomAD v4.1: 134 of 1,613,752 alleles (0.0083%); highest among the groups gnomAD compares: Non-Finnish European, 0.011%; no homozygotes.

Submissions (5):

Ambry Genetics
Classification: Uncertain significance for Cardiovascular phenotype. Last evaluated: 2025-03-18. Review status: criteria provided, single submitter. Criteria: Ambry Variant Classification Scheme 2023. Collection method: clinical testing. Allele origin: germline.
Comment: The p.V54G variant (also known as c.161T>G), located in coding exon 2 of the SCN3B gene, results from a T to G substitution at nucleotide position 161. The valine at codon 54 is replaced by glycine, an amino acid with dissimilar properties. This variant has been reported in an individual with idiopathic ventricular fibrillation and in a sudden infant death case (Valdivia CR et al. Cardiovasc. Res., 2010 Jun;86:392-400; Tan BH et al. Heart Rhythm, 2010 Jun;7:771-8). Limited in vitro studies by these authors suggest that this alteration may impact protein function; however, the clinical implications of these findings are unknown. This amino acid position is highly conserved in available vertebrate species. In addition, this alteration is predicted to be deleterious by in silico analysis. Since supporting evidence is limited at this time, the clinical significance of this alteration remains unclear.

Fulgent Genetics
Classification: Uncertain significance for Brugada syndrome 7. Last evaluated: 2021-08-31. Review status: criteria provided, single submitter. Criteria: ACMG Guidelines, 2015. Collection method: clinical testing. Allele origin: unknown.

Labcorp Genetics (formerly Invitae), Labcorp
Classification: Uncertain significance for Brugada syndrome 7. Last evaluated: 2019-10-09. Review status: criteria provided, single submitter. Criteria: Invitae Variant Classification Sherloc (09022015). Collection method: clinical testing. Allele origin: germline.
Comment: In summary, the available evidence is currently insufficient to determine the role of this variant in disease. Therefore, it has been classified as a Variant of Uncertain Significance. This variant has been reported to affect SCN3B protein function (PMID: 20042427, 20226894). This variant has been observed in an individual affected with ventricular fibrillation (PMID: 20042427) and in an individual who suffered sudden unexplained death (PMID: 20226894). ClinVar contains an entry for this variant (Variation ID: 140596). This variant is present in population databases (rs587777555, ExAC 0.003%). This sequence change replaces valine with glycine at codon 54 of the SCN3B protein (p.Val54Gly). The valine residue is highly conserved and there is a moderate physicochemical difference between valine and glycine.

GeneDx
Classification: Uncertain significance. Last evaluated: 2017-12-14. Review status: criteria provided, single submitter. Criteria: GeneDx Variant Classification (06012015). Collection method: clinical testing. Allele origin: germline. Affected: yes.
Comment: The V54G variant in the SCN3B gene has been reported in one individual with idiopathic ventricular fibrillation and also in this individual's asymptomatic mother (Valdivia C et al., 2010). In addition, the V54G variant has been reported in one case of SIDS and was absent from 800 control alleles (Tan B et al., 2010). Furthermore, the V54G variant was not observed in approximately 6,500 individuals of European and African American ancestry in the NHLBI Exome Sequencing Project, indicating it is not a common benign variant in these populations. Moreover, in vitro functional studies show that the V54G variant causes loss of channel function (Valdivia et al., 2010; Tan et al., 2010). However, the V54G variant is a conservative amino acid substitution, which is not likely to impact secondary protein structure as these residues share similar properties. This substitution occurs at a position that is where amino acids with similar properties to Valine are tolerated across species. In silico analysis is inconsistent in its predictions as to whether or not the variant is damaging to the protein structure/function. Therefore, based on the currently available information, it is unclear whether this variant is a pathogenic variant or a rare benign variant.

OMIM
Classification: Uncertain significance for VARIANT OF UNKNOWN SIGNIFICANCE. Last evaluated: 2010-06-01. Review status: no assertion criteria provided. Collection method: literature only. Allele origin: germline. Not counted in ClinVar's aggregate classification.

Literature cited by the submitters: PubMed 20042427 (cited by 3 submitters); PubMed 20226894 (cited by Ambry Genetics and Labcorp Genetics (formerly Invitae), Labcorp).